The following is an entry in ClinVar:

ClinVar aggregate classification (germline): Uncertain significance (1 of 4 stars; one submission).

Conditions:
Fanconi anemia (FA). Also called: Fanconi's anemia. Identifiers: Orphanet 84, MedGen C0015625, MeSH D005199, MONDO:0019391.

gnomAD v4.1: 36 of 1,611,210 alleles (0.0022%); highest among the groups gnomAD compares: South Asian, 0.0088%; no homozygotes.

Submission:

Labcorp Genetics (formerly Invitae), Labcorp
Classification: Uncertain significance for Fanconi anemia. Last evaluated: 2025-06-09. Review status: criteria provided, single submitter. Criteria: Invitae Variant Classification Sherloc (09022015). Collection method: clinical testing. Allele origin: germline.
Comment: This sequence change replaces alanine, which is neutral and non-polar, with threonine, which is neutral and polar, at codon 728 of the SLX4 protein (p.Ala728Thr). This variant is present in population databases (rs776707468, gnomAD 0.02%). This missense change has been observed in individual(s) with head and neck squamous cell carcinoma (PMID: 28678401). ClinVar contains an entry for this variant (Variation ID: 3702583). An algorithm developed to predict the effect of missense changes on protein structure and function (PolyPhen-2) suggests that this variant is likely to be disruptive. In summary, the available evidence is currently insufficient to determine the role of this variant in disease. Therefore, it has been classified as a Variant of Uncertain Significance.

Literature cited by the submitters: PubMed 28678401.

NM_032444.4(SLX4):c.2182G>A (p.Ala728Thr)

Gene: SLX4 (SLX4 structure-specific endonuclease subunit; minus strand). Cytogenetic location: 16p13.3.
Variant type: single nucleotide variant.
Coding change: c.2182G>A on transcript NM_032444.4 (MANE Select); coding-DNA position 2182, G replaced by A.
Protein change: p.Ala728Thr; replaces alanine 728 with threonine.
Molecular consequence: missense variant.
Genome position (GRCh38, 1-based): chr16:3,592,844, C>T on the plus strand (G>A on the coding strand, the complement: SLX4 is on the minus strand). VCF-style: chr16-3592844-C-T. GRCh37 (hg19) VCF-style: chr16-3642845-C-T.
Other names: short protein forms A728T.
Identifiers: ClinVar variation 3702583 (VCV003702583.2).